The following is an entry in ClinVar:

NM_033380.3(COL4A5):c.1672G>C (p.Gly558Arg)

Gene: COL4A5 (collagen type IV alpha 5 chain; plus strand). Cytogenetic location: Xq22.3.
Variant type: single nucleotide variant.
Coding change: c.1672G>C on transcript NM_033380.3 (MANE Select); coding-DNA position 1672, G replaced by C.
Protein change: p.Gly558Arg; replaces glycine 558 with arginine.
Molecular consequence: missense variant.
Genome position (GRCh38, 1-based): chrX:108,597,461, G>C. VCF-style: chrX-108597461-G-C. GRCh37 (hg19) VCF-style: chrX-107840691-G-C.
Other names: c.1672G>C, p.Gly558Arg (NM_000495.5); short protein forms G558R.
Identifiers: ClinVar variation 3766541 (VCV003766541.1), dbSNP rs104886129.

ClinVar aggregate classification (germline): Likely pathogenic (1 of 4 stars; one submission).

Conditions:
X-linked Alport syndrome (ATS1). Also called: NEPHROPATHY AND DEAFNESS, X-LINKED; COL4A5-Related Nephropathy. Identifiers: Orphanet 63, Orphanet 88917, MedGen C4746986, MONDO:0010520, OMIM 301050.

Submission:

ARUP Laboratories, Molecular Genetics and Genomics, ARUP Laboratories
Classification: Likely pathogenic for X-linked Alport syndrome. Last evaluated: 2024-04-01. Review status: criteria provided, single submitter. Criteria: ARUP Molecular Germline Variant Investigation Process 2024. Collection method: clinical testing. Allele origin: germline.
Comment: The COL4A5 c.1672G>C; p.Gly558Arg variant (rs104886129) is reported in the literature in an individual affected with Alport syndrome (Barker 2001). This variant is also absent from the Genome Aggregation Database (v2.1.1), indicating it is not a common polymorphism. Computational analyses predict that this variant is deleterious (REVEL: 0.975). Variants that create or remove a glycine in Gly-X-Y domains are often deleterious due to glycine repeats (Persikov 2004, Weerakkody 2016). Additionally, other amino acid substitutions at this codon (Gly558Asp, Gly558Ser, Gly558Val) have been reported in individuals with Alport syndrome and are considered disease causing (Bekheirnia 2010, Di 2022). Based on available information, this variant is considered to be likely pathogenic. References: Barker DF et al. Efficient detection of Alport syndrome COL4A5 mutations with multiplex genomic PCR-SSCP. Am J Med Genet. 2001 Jan 15;98(2):148-60. PMID: 11223851. Bekheirnia MR et al. Genotype-phenotype correlation in X-linked Alport syndrome. J Am Soc Nephrol. 2010 May;21(5):876-83. PMID: 20378821. Di H et al. Dissecting the genotype-phenotype correlation of COL4A5 gene mutation and its response to renin-angiotensin-aldosterone system blockers in Chinese male patients with Alport syndrome. Nephrol Dial Transplant. 2022 Nov 23;37(12):2487-2495. PMID: 35020912. Persikov AV et al. Stability related bias in residues replacing glycines within the collagen triple helix (Gly-Xaa-Yaa) in inherited connective tissue disorders. Hum Mutat. 2004 Oct;24(4):330-7. PMID: 15365990. Weerakkody RA et al. Targeted next-generation sequencing makes new molecular diagnoses and expands genotype-phenotype relationship in Ehlers-Danlos syndrome. Genet Med. 2016 Nov;18(11):1119-1127. PMID: 27011056.